The following is an entry in ClinVar:

NM_003200.5(TCF3):c.416C>T (p.Ser139Phe)

Gene: TCF3 (transcription factor 3; minus strand). Cytogenetic location: 19p13.3.
Variant type: single nucleotide variant.
Coding change: c.416C>T on transcript NM_003200.5 (MANE Select); coding-DNA position 416, C replaced by T.
Protein change: p.Ser139Phe; replaces serine 139 with phenylalanine.
Molecular consequence: missense variant.
Genome position (GRCh38, 1-based): chr19:1,625,659, G>A on the plus strand (C>T on the coding strand, the complement: TCF3 is on the minus strand). VCF-style: chr19-1625659-G-A. GRCh37 (hg19) VCF-style: chr19-1625658-G-A.
Other names: c.416C>T, p.Ser139Phe (NM_001136139.4, NM_001351778.2, NM_001351779.2); short protein forms S139F.
Identifiers: ClinVar variation 4708533 (VCV004708533.1).

ClinVar aggregate classification (germline): Uncertain significance (1 of 4 stars; one submission).

gnomAD v4.1: 2 of 1,538,010 alleles (0.00013%); highest among the groups gnomAD compares: Admixed American, 0.0044%; no homozygotes.

Submission:

Labcorp Genetics (formerly Invitae), Labcorp
Classification: Uncertain significance. Last evaluated: 2025-07-27. Review status: criteria provided, single submitter. Criteria: Invitae Variant Classification Sherloc (09022015). Collection method: clinical testing. Allele origin: germline.
Comment: This sequence change replaces serine, which is neutral and polar, with phenylalanine, which is neutral and non-polar, at codon 139 of the TCF3 protein (p.Ser139Phe). The frequency data for this variant in the population databases is considered unreliable, as metrics indicate poor data quality at this position in the gnomAD database. This variant has not been reported in the literature in individuals affected with TCF3-related conditions. Invitae Evidence Modeling of protein sequence and biophysical properties (such as structural, functional, and spatial information, amino acid conservation, physicochemical variation, residue mobility, and thermodynamic stability) indicates that this missense variant is expected to disrupt TCF3 protein function with a positive predictive value of 80%. In summary, the available evidence is currently insufficient to determine the role of this variant in disease. Therefore, it has been classified as a Variant of Uncertain Significance.